The following is an entry in ClinVar:

ClinVar aggregate classification (germline): Pathogenic (1 of 4 stars; one submission).

Conditions:
Ehlers-Danlos syndrome, classic type, 1 (EDSCL1). Also called: EHLERS-DANLOS SYNDROME, GRAVIS TYPE; EHLERS-DANLOS SYNDROME, SEVERE CLASSIC TYPE; Ehlers-Danlos syndrome, type 1; Ehlers-Danlos Syndrome, Classic Type, COL5A1-Related; EDS I. Identifiers: MedGen C0268335, MONDO:0019567, OMIM 130000.

Submission:

Labcorp Genetics (formerly Invitae), Labcorp
Classification: Pathogenic for Ehlers-Danlos syndrome, classic type, 1. Last evaluated: 2025-12-26. Review status: criteria provided, single submitter. Criteria: Invitae Variant Classification Sherloc (09022015). Collection method: clinical testing. Allele origin: germline.
Comment: This sequence change creates a premature translational stop signal (p.Tyr277*) in the COL5A1 gene. It is expected to result in an absent or disrupted protein product. Loss-of-function variants in COL5A1 are known to be pathogenic (PMID: 23587214). This variant is not present in population databases (gnomAD no frequency). This premature translational stop signal has been observed in individual(s) with Ehlers-Danlos syndrome (PMID: 27011056). For these reasons, this variant has been classified as Pathogenic.

Literature cited by the submitters: PubMed 23587214; PubMed 27011056.

NM_000093.5(COL5A1):c.831C>A (p.Tyr277Ter)

Gene: COL5A1 (collagen type V alpha 1 chain; plus strand). Cytogenetic location: 9q34.3.
Variant type: single nucleotide variant.
Coding change: c.831C>A on transcript NM_000093.5 (MANE Select); coding-DNA position 831, C replaced by A.
Protein change: p.Tyr277Ter; replaces tyrosine 277 with a stop codon.
Molecular consequence: nonsense.
Genome position (GRCh38, 1-based): chr9:134,728,714, C>A. VCF-style: chr9-134728714-C-A. GRCh37 (hg19) VCF-style: chr9-137620560-C-A.
Other names: c.831C>A, p.Tyr277Ter (NM_001278074.1); short protein forms Y277*.
Identifiers: ClinVar variation 4709716 (VCV004709716.1).
Genomic context (GRCh38, chr9:134,728,714, plus strand): 5'-CGCAATTCGCTTTCAGTACACGGAAGGAGACGGCGAGGGTGAGACCTATTACTACGAATA[C>A]CCCTACTACGAAGACCCCGAAGACCTAGGGAAGGAGCCCACCCCCAGCAAGAAGCCCGTG-3'